The following is an entry in ClinVar:

ClinVar aggregate classification (germline): Uncertain significance (1 of 4 stars; one submission).

Conditions:
Familial intrahepatic cholestasis. Identifiers: Orphanet 284385, MedGen CN296401, MONDO:0017290.

Submission:

Genomenon, Inc
Classification: Uncertain significance for Familial intrahepatic cholestasis. Last evaluated: 2026-04-14. Review status: criteria provided, single submitter. Criteria: Genomenon Sequence Variant Interpretation Standards - Updated. Collection method: curation. Allele origin: germline. Affected: no.
Comment: ABCB11 p.Ala865Gly (c.2594C>G) is a missense variant that changes the amino acid at residue 865 from Alanine to Glycine. This variant has been reported in the published literature (PMID:22795478). It is absent or not present at a significant frequency in gnomAD. In silico models predict that this variant is possibly or probably damaging. In conclusion, we classify ABCB11 p.Ala865Gly (c.2594C>G) as a variant of uncertain significance.

Literature cited by the submitters: PubMed 22795478.

NM_003742.4(ABCB11):c.2594C>G (p.Ala865Gly)

Gene: ABCB11 (ATP binding cassette subfamily B member 11; minus strand). Cytogenetic location: 2q31.1.
Variant type: single nucleotide variant.
Coding change: c.2594C>G on transcript NM_003742.4 (MANE Select); coding-DNA position 2594, C replaced by G.
Protein change: p.Ala865Gly; replaces alanine 865 with glycine.
Molecular consequence: missense variant.
Genome position (GRCh38, 1-based): chr2:168,944,621, G>C on the plus strand (C>G on the coding strand, the complement: ABCB11 is on the minus strand). VCF-style: chr2-168944621-G-C. GRCh37 (hg19) VCF-style: chr2-169801131-G-C.
Other names: short protein forms A865G.
Identifiers: ClinVar variation 4845953 (VCV004845953.1).
Genomic context (GRCh38, chr2:168,944,621, plus strand): 5'-GCCAATGCAGTTAATATACTTCTATTTCCCCTCCCATAGCTCACCCCTTGAACTTGGGAA[G>C]CATCTGTAGCAAGTCTTGTTGTCAATGCTCCAGGGCTATTTCTGAGGTCATCAAACCAGG-3'
Protein context (NP_003733.2, residues 855-875): GALTTRLATD[Ala865Gly]SQVQGAAGSQ